The following is an entry in ClinVar:

NM_170606.3(KMT2C):c.14491A>T (p.Asn4831Tyr)

Gene: KMT2C (lysine methyltransferase 2C; minus strand). Cytogenetic location: 7q36.1.
Variant type: single nucleotide variant.
Coding change: c.14491A>T on transcript NM_170606.3 (MANE Select); coding-DNA position 14491, A replaced by T.
Protein change: p.Asn4831Tyr; replaces asparagine 4831 with tyrosine.
Molecular consequence: missense variant.
Genome position (GRCh38, 1-based): chr7:152,139,229, T>A on the plus strand (A>T on the coding strand, the complement: KMT2C is on the minus strand). VCF-style: chr7-152139229-T-A. GRCh37 (hg19) VCF-style: chr7-151836314-T-A.
Other names: short protein forms N4831Y.
Identifiers: ClinVar variation 4094303 (VCV004094303.2).

ClinVar aggregate classification (germline): Uncertain significance. Review status: criteria provided, multiple submitters, no conflicts (2 of 4 stars). 2 submissions from 2 submitters: Uncertain significance (2). Last evaluated 2026-02-27.

Conditions:
Kleefstra syndrome 2 (KLEFS2). Identifiers: MedGen C4540395, MONDO:0054701, OMIM 617768.
Inborn genetic diseases. Identifiers: MedGen C0950123, MeSH D030342.

Submissions (2):

Laboratorio de Genetica e Diagnostico Molecular, Hospital Israelita Albert Einstein
Classification: Uncertain significance for Kleefstra syndrome 2. Last evaluated: 2026-02-27. Review status: criteria provided, single submitter. Criteria: ACMG Guidelines, 2015. Collection method: clinical testing. Allele origin: germline. Affected: yes.
Comment: ACMG classification criteria: PM2 supporting, PP2 supporting

Ambry Genetics
Classification: Uncertain significance for Inborn genetic diseases. Last evaluated: 2025-07-14. Review status: criteria provided, single submitter. Criteria: Ambry Variant Classification Scheme 2023. Collection method: clinical testing. Allele origin: germline.